The following is an entry in ClinVar:

ClinVar aggregate classification (germline): Pathogenic (1 of 4 stars; one submission).

Submission:

Labcorp Genetics (formerly Invitae), Labcorp
Classification: Pathogenic. Last evaluated: 2022-10-05. Review status: criteria provided, single submitter. Criteria: Invitae Variant Classification Sherloc (09022015). Collection method: clinical testing. Allele origin: germline.
Comment: For these reasons, this variant has been classified as Pathogenic. This variant has not been reported in the literature in individuals affected with USH2A-related conditions. This variant is not present in population databases (gnomAD no frequency). This sequence change creates a premature translational stop signal (p.Leu3830Glyfs*10) in the USH2A gene. It is expected to result in an absent or disrupted protein product. Loss-of-function variants in USH2A are known to be pathogenic (PMID: 10729113, 10909849, 20507924, 25649381).

Literature cited by the submitters: PubMed 10729113; PubMed 10909849; PubMed 20507924; PubMed 25649381.

NM_206933.4(USH2A):c.11488_11492del (p.Leu3830fs)

Gene: USH2A (usherin; minus strand). Cytogenetic location: 1q41.
Variant type: Deletion.
Coding change: c.11488_11492del on transcript NM_206933.4 (MANE Select); coding-DNA positions 11488 to 11492, 5 bases deleted (CTTCT; older notation c.11488_11492delCTTCT).
Protein change: p.Leu3830fs; shifts the reading frame from leucine 3830.
Molecular consequence: frameshift variant.
Genome position (GRCh38, 1-based): chr1:215,743,233-215,743,237, AGAAG deleted on the plus strand (CTTCT on the coding strand, the reverse complement: USH2A is on the minus strand). VCF-style (leftmost placement, unchanged base first): chr1-215743232-CAGAAG-C. GRCh37 (hg19) VCF-style: chr1-215916574-CAGAAG-C.
Other names: short protein forms L3830fs.
Identifiers: ClinVar variation 2030689 (VCV002030689.4), dbSNP rs2465070006, ClinGen allele CA2580062044.